The following is an entry in ClinVar:

ClinVar aggregate classification (germline): Benign/Likely benign. Review status: criteria provided, multiple submitters, no conflicts (2 of 4 stars). 4 submissions from 4 submitters: Benign (2); Likely benign (2). Last evaluated 2023-05-01.

Conditions:
Sjögren-Larsson syndrome (SLS). Also called: FALDH DEFICIENCY; FATTY ALCOHOL:NAD+ OXIDOREDUCTASE DEFICIENCY; FATTY ALDEHYDE DEHYDROGENASE DEFICIENCY; ICHTHYOSIS, SPASTIC NEUROLOGIC DISORDER, AND OLIGOPHRENIA. Identifiers: Orphanet 816, MedGen C0037231, MONDO:0010031, OMIM 270200.

Allele frequency attached by ClinVar (database versions not stated): 1000 Genomes Project 0.00359; 1000 Genomes Project 30x 0.00375; ExAC 0.00644; gnomAD exomes 0.00683 and 0.01087; gnomAD 0.00750 and 0.00775; TOPMed 0.00815; ESP Exome Variant Server 0.00877.
gnomAD v4.1: 16,784 of 1,595,974 alleles (1.1%); highest among the groups gnomAD compares: Non-Finnish European, 1.3%; 123 homozygotes.

Submissions (4):

CeGaT Center for Human Genetics Tuebingen
Classification: Benign. Last evaluated: 2023-05-01. Review status: criteria provided, single submitter. Criteria: CeGaT Center For Human Genetics Tuebingen Variant Classification Criteria Version 2. Collection method: clinical testing. Allele origin: germline. Affected: yes. Observed: 2 variant alleles.
Comment: ALDH3A2: BS1, BS2

GeneDx
Classification: Likely benign. Last evaluated: 2021-05-20. Review status: criteria provided, single submitter. Criteria: GeneDx Variant Classification Process June 2021. Collection method: clinical testing. Allele origin: germline. Affected: yes.

Illumina Laboratory Services, Illumina
Classification: Benign for Sjögren-Larsson syndrome. Last evaluated: 2018-01-13. Review status: criteria provided, single submitter. Criteria: ICSL Variant Classification Criteria 13 December 2019. Collection method: clinical testing. Allele origin: germline.
Comment: This variant was observed in the ICSL laboratory as part of a predisposition screen in an ostensibly healthy population. It had not been previously curated by ICSL or reported in the Human Gene Mutation Database (HGMD: prior to June 1st, 2018), and was therefore a candidate for classification through an automated scoring system. Utilizing variant allele frequency, disease prevalence and penetrance estimates, and inheritance mode, an automated score was calculated to assess if this variant is too frequent to cause the disease. Based on the score and internal cut-off values, a variant classified as benign is not then subjected to further curation. The score for this variant resulted in a classification of benign for this disease.

Breakthrough Genomics
Classification: Likely benign. Review status: criteria provided, single submitter. Criteria: ACMG Guidelines, 2015. Collection method: not provided. Allele origin: germline. Inheritance: Autosomal recessive inheritance. Affected: yes.

NM_000382.3(ALDH3A2):c.*36G>A

Gene: ALDH3A2 (aldehyde dehydrogenase 3 family member A2; plus strand). Cytogenetic location: 17p11.2.
Variant type: single nucleotide variant.
Coding change: c.*36G>A on transcript NM_000382.3 (MANE Select); 36 bases downstream of the stop codon, G replaced by A.
Molecular consequence: 3 prime UTR variant. On other transcripts: missense variant (1).
Genome position (GRCh38, 1-based): chr17:19,675,608, G>A. VCF-style: chr17-19675608-G-A. GRCh37 (hg19) VCF-style: chr17-19578921-G-A.
Other names: c.*92G>A (NM_001031806.2, NM_001369136.1, NM_001369137.2); c.*36G>A (NM_001369138.2, NM_001369139.1, NM_001369148.2); c.1258G>A, p.Glu420Lys (NM_001369146.2); short protein forms E420K.
Identifiers: ClinVar variation 322220 (VCV000322220.34), dbSNP rs138462610, ClinGen allele CA8443137.
Genomic context (GRCh38, chr17:19,675,608, plus strand): 5'-CTCTCTCCAGGCAGAATATTACTGAAGAATGATCCTGTTCAACCTCCTAGTGCCTCTACT[G>A]AATTATTCCTCTTTTAAATGGTTAATGAACCAATAATTTTTAAATCATACCAAAAATAGT-3'